The following is an entry in ClinVar:

NM_001130144.3(LTBP3):c.189G>T (p.Lys63Asn)

Gene: LTBP3 (latent transforming growth factor beta binding protein 3; minus strand). Cytogenetic location: 11q13.1.
Variant type: single nucleotide variant.
Coding change: c.189G>T on transcript NM_001130144.3 (MANE Select); coding-DNA position 189, G replaced by T.
Protein change: p.Lys63Asn; replaces lysine 63 with asparagine.
Molecular consequence: missense variant. On other transcripts: 5 prime UTR variant (1).
Genome position (GRCh38, 1-based): chr11:65,557,771, C>A on the plus strand (G>T on the coding strand, the complement: LTBP3 is on the minus strand). VCF-style: chr11-65557771-C-A. GRCh37 (hg19) VCF-style: chr11-65325242-C-A.
Other names: c.-159G>T (NM_001164266.1); c.189G>T, p.Lys63Asn (NM_021070.4); short protein forms K63N.
Identifiers: ClinVar variation 2747364 (VCV002747364.3), dbSNP rs2496186774, ClinGen allele CA381278294.

ClinVar aggregate classification (germline): Uncertain significance (1 of 4 stars; one submission).

Conditions:
Brachyolmia-amelogenesis imperfecta syndrome. Also called: PLATYSPONDYLY WITH AMELOGENESIS IMPERFECTA; Tooth agenesis, selective, 6; Dental anomalies and short stature. Identifiers: Orphanet 2899, MedGen C1832594, MONDO:0011018, OMIM 601216. Disease mechanism: loss of function.

Submission:

Labcorp Genetics (formerly Invitae), Labcorp
Classification: Uncertain significance for Brachyolmia-amelogenesis imperfecta syndrome. Last evaluated: 2023-07-27. Review status: criteria provided, single submitter. Criteria: Invitae Variant Classification Sherloc (09022015). Collection method: clinical testing. Allele origin: germline.
Comment: This sequence change replaces lysine, which is basic and polar, with asparagine, which is neutral and polar, at codon 63 of the LTBP3 protein (p.Lys63Asn). This variant is not present in population databases (gnomAD no frequency). This variant has not been reported in the literature in individuals affected with LTBP3-related conditions. An algorithm developed to predict the effect of missense changes on protein structure and function (PolyPhen-2) suggests that this variant is likely to be disruptive. In summary, the available evidence is currently insufficient to determine the role of this variant in disease. Therefore, it has been classified as a Variant of Uncertain Significance.